The following is an entry in ClinVar:

ClinVar aggregate classification (germline): Likely pathogenic (1 of 4 stars; one submission).

Submission:

Labcorp Genetics (formerly Invitae), Labcorp
Classification: Likely pathogenic. Last evaluated: 2023-04-28. Review status: criteria provided, single submitter. Criteria: Invitae Variant Classification Sherloc (09022015). Collection method: clinical testing. Allele origin: germline.
Comment: In summary, the currently available evidence indicates that the variant is pathogenic, but additional data are needed to prove that conclusively. Therefore, this variant has been classified as Likely Pathogenic. Algorithms developed to predict the effect of sequence changes on RNA splicing suggest that this variant may disrupt the consensus splice site. This variant has not been reported in the literature in individuals affected with DMXL2-related conditions. This variant is not present in population databases (gnomAD no frequency). This sequence change affects an acceptor splice site in intron 28 of the DMXL2 gene. It is expected to disrupt RNA splicing. Variants that disrupt the donor or acceptor splice site typically lead to a loss of protein function (PMID: 16199547), and loss-of-function variants in DMXL2 are known to be pathogenic (PMID: 30237576, 31688942).

Literature cited by the submitters: PubMed 16199547; PubMed 30237576; PubMed 31688942.

NM_001378457.1(DMXL2):c.7214-2A>G

Gene: DMXL2 (Dmx like 2; minus strand). Cytogenetic location: 15q21.2.
Variant type: single nucleotide variant.
Coding change: c.7214-2A>G on transcript NM_001378457.1 (MANE Select); the canonical splice acceptor site of the intron before coding-DNA position 7214, A replaced by G.
Molecular consequence: splice acceptor variant.
Genome position (GRCh38, 1-based): chr15:51,471,403, T>C on the plus strand (A>G on the coding strand, the complement: DMXL2 is on the minus strand). VCF-style: chr15-51471403-T-C. GRCh37 (hg19) VCF-style: chr15-51763600-T-C.
Other names: c.5192-2A>G (NM_001378460.1); c.5303-2A>G (NM_001174117.3); c.7211-2A>G (NM_015263.5, NM_001378458.1, NM_001378462.1); c.7214-2A>G (NM_001378459.1, NM_001174116.3, NM_001378463.1 and 1 more transcripts); c.6971-2A>G (NM_001378464.1).
Identifiers: ClinVar variation 3002301 (VCV003002301.3), dbSNP rs2548417170, ClinGen allele CA392440652.